The following is an entry in ClinVar:

NM_002335.4(LRP5):c.34CTG[12] (p.Leu18_Leu20dup)

Gene: LRP5 (LDL receptor related protein 5; plus strand). Cytogenetic location: 11q13.2.
Variant type: Microsatellite.
Coding change: c.34CTG[12] on transcript NM_002335.4 (MANE Select); 12 copies in a row of the 3-base unit CTG starting at c.34; the reference has nine copies in a row; three copies, 9 bases duplicated; also written c.52_60dup.
Protein change: p.Leu18_Leu20dup.
Molecular consequence: inframe insertion. On other transcripts: 5 prime UTR variant (1).
Genome position (GRCh38, 1-based): chr11:68,312,766-68,312,774, CTGCTGCTG duplicated; duplicating any 9 consecutive bases within chr11:68,312,747-68,312,774 gives the same sequence; the position shown is the placement nearest the transcript's 3' end. VCF-style (leftmost placement, unchanged base first): chr11-68312746-C-CGCTGCTGCT. GRCh37 (hg19) VCF-style: chr11-68080214-C-CGCTGCTGCT.
Other names: c.-1732CTG[12] (NM_001291902.2); c.52_60dup (NM_002335.4); c.52_60dup9 (NM_002335.3); c.52_60dupCTGCTGCTG (NM_002335.4).
Identifiers: ClinVar variation 1000329 (VCV001000329.11), dbSNP rs72555376, ClinGen allele CA6148889.

ClinVar aggregate classification (germline): Uncertain significance. Review status: criteria provided, multiple submitters, no conflicts (2 of 4 stars). 6 submissions from 6 submitters: Uncertain significance (6). Last evaluated 2025-12-26.

Conditions:
LRP5-related disorder. Also called: LRP5-related condition.
Osteoporosis with pseudoglioma (OPPG). Also called: osteoporosis-pseudoglioma syndrome. Identifiers: Orphanet 2788, MedGen C0432252, MONDO:0009820, OMIM 259770.
Polycystic liver disease 4 with or without kidney cysts. Identifiers: MedGen C4693479, MONDO:0044327, OMIM 617875.
Worth disease. Also called: OSTEOSCLEROSIS, AUTOSOMAL DOMINANT; ENDOSTEAL HYPEROSTOSIS, AUTOSOMAL DOMINANT; Autosomal dominant osteosclerosis, Worth type. Identifiers: Orphanet 2790, MedGen C0432273, MONDO:0007764, OMIM 144750.
Exudative vitreoretinopathy 4 (EVR4). Identifiers: Orphanet 891, MedGen C1866176, MONDO:0011151, OMIM 601813.
Bone mineral density quantitative trait locus 1 (BMND1). Identifiers: MedGen C1866079, OMIM 601884.
Autosomal dominant osteopetrosis 1 (OPTA1). Also called: OSTEOPETROSIS, AUTOSOMAL DOMINANT, TYPE I. Identifiers: Orphanet 2783, MedGen C1843330, MONDO:0011877, OMIM 607634.

Submissions (6):

Labcorp Genetics (formerly Invitae), Labcorp
Classification: Uncertain significance. Last evaluated: 2025-12-26. Review status: criteria provided, single submitter. Criteria: Invitae Variant Classification Sherloc (09022015). Collection method: clinical testing. Allele origin: germline.
Comment: This variant, c.52_60dup, results in the insertion of 3 amino acid(s) of the LRP5 protein (p.Leu18_Leu20dup), but otherwise preserves the integrity of the reading frame. The frequency data for this variant in the population databases is considered unreliable, as metrics indicate poor data quality at this position in the gnomAD database. This variant has been observed in individual(s) with LRP5-related conditions (PMID: 31967071). In summary, the available evidence is currently insufficient to determine the role of this variant in disease. Therefore, it has been classified as a Variant of Uncertain Significance.

GeneDx
Classification: Uncertain significance. Last evaluated: 2025-11-28. Review status: criteria provided, single submitter. Criteria: GeneDx Variant Classification Process June 2021. Collection method: clinical testing. Allele origin: germline.
Comment: Identified in a patient with idiopathic osteoporosis and recurrent fractures in published literature (PMID: 31967071); In-frame insertion of three amino acids in a non-repeat region; Not observed at significant frequency in large population cohorts (gnomAD); This variant is associated with the following publications: (PMID: 31967071)

Women's Health and Genetics/Laboratory Corporation of America, LabCorp
Classification: Uncertain significance. Last evaluated: 2025-11-05. Review status: criteria provided, single submitter. Criteria: LabCorp Variant Classification Summary - May 2015. Collection method: clinical testing. Allele origin: germline.
Comment: Variant summary: LRP5 c.52_60dupCTGCTGCTG (p.Leu18_Leu20dup) results in an in-frame duplication that is predicted to duplicate 3 amino acids into the encoded protein. The variant allele was found at a frequency of 0.00043 in 16308 control chromosomes. The available data on variant occurrences in the general population are insufficient to allow any conclusion about variant significance. c.52_60dupCTGCTGCTG has been observed in an individual affected with Idiopathic Osteoporosis (Shin_2019). This report does not provide unequivocal conclusions about association of the variant with Idiopathic Osteoporosis. To our knowledge, no experimental evidence demonstrating an impact on protein function has been reported. The following publication has been ascertained in the context of this evaluation (PMID: 31967071). ClinVar contains an entry for this variant (Variation ID: 1000329). Based on the evidence outlined above, the variant was classified as uncertain significance.

PreventionGenetics, part of Exact Sciences
Classification: Uncertain significance for LRP5-related condition. Last evaluated: 2025-05-22. Review status: criteria provided, single submitter. Criteria: ACMG Guidelines, 2015. Collection method: clinical testing. Allele origin: germline.
Comment: The LRP5 c.52_60dup9 variant is predicted to result in an in-frame duplication (p.Leu18_Leu20dup). This variant has been reported in an individual with osteoporosis with recurrent fractures (Shin et al. 2019. PubMed ID: 31967071). This variant is present in 0.39% of alleles in individuals of Ashkenazi Jewish descent in gnomAD, however this variant is found in a low complexity region and therefore frequency reports may not be accurate. At this time, the clinical significance of this variant is uncertain due to the absence of conclusive functional and genetic evidence.

Blueprint Genetics
Classification: Uncertain significance. Last evaluated: 2024-07-04. Review status: criteria provided, single submitter. Criteria: ACMG Guidelines, 2015. Collection method: clinical testing. Allele origin: germline.

Fulgent Genetics
Classification: Uncertain significance for Worth disease; Osteoporosis with pseudoglioma; Exudative vitreoretinopathy 4; Bone mineral density quantitative trait locus 1; Autosomal dominant osteopetrosis 1; Polycystic liver disease 4 with or without kidney cysts. Last evaluated: 2024-02-08. Review status: criteria provided, single submitter. Criteria: ACMG Guidelines, 2015. Collection method: clinical testing. Allele origin: germline.

Literature cited by the submitters: PubMed 31967071 (cited by Labcorp Genetics (formerly Invitae), Labcorp and Women's Health and Genetics/Laboratory Corporation of America, LabCorp).